The following is an entry in ClinVar:

NM_024809.5(TCTN2):c.892-143A>T

Gene: TCTN2 (tectonic family member 2; plus strand). Cytogenetic location: 12q24.31.
Variant type: single nucleotide variant.
Coding change: c.892-143A>T on transcript NM_024809.5 (MANE Select); 143 bases into the intron before coding-DNA position 892, A replaced by T.
Molecular consequence: intron variant.
Genome position (GRCh38, 1-based): chr12:123,690,390, A>T. VCF-style: chr12-123690390-A-T. GRCh37 (hg19) VCF-style: chr12-124174937-A-T.
Other names: c.889-143A>T (NM_001143850.3).
Identifiers: ClinVar variation 672971 (VCV000672971.2), dbSNP rs11057329, ClinGen allele CA245162996.
Genomic context (GRCh38, chr12:123,690,390, plus strand): 5'-CAACCAGTGGCTTCCAGACCTTGATGGGCAAATCAGTTAGATGTTTTGCTAAAGCGGGTC[A>T]ACTAGTCGGTGAACTTGCCGTTGCTGAAACCAGACCAGCAATGGGAGCAGGCTGCAGAAA-3'

ClinVar aggregate classification (germline): Benign. Review status: criteria provided, multiple submitters, no conflicts (2 of 4 stars). 2 submissions from 2 submitters: Benign (2). Last evaluated 2018-06-14.

Allele frequency attached by ClinVar (database versions not stated): gnomAD exomes 0.05099; TOPMed 0.07104; gnomAD 0.07121 and 0.07186; 1000 Genomes Project 0.09585; 1000 Genomes Project 30x 0.09884.
gnomAD v4.1: 59,979 of 1,110,794 alleles (5.4%); highest among the groups gnomAD compares: African/African-American, 13%; 2,254 homozygotes.

Submissions (2):

GeneDx
Classification: Benign. Last evaluated: 2018-06-14. Review status: criteria provided, single submitter. Criteria: GeneDx Variant Classification (06012015). Collection method: clinical testing. Allele origin: germline. Affected: yes.
Comment: This variant is considered likely benign or benign based on one or more of the following criteria: it is a conservative change, it occurs at a poorly conserved position in the protein, it is predicted to be benign by multiple in silico algorithms, and/or has population frequency not consistent with disease.

Breakthrough Genomics
Classification: Benign. Review status: criteria provided, single submitter. Criteria: ACMG Guidelines, 2015. Collection method: not provided. Allele origin: germline. Inheritance: Autosomal recessive inheritance. Affected: yes.